The following is an entry in ClinVar:

NM_018297.4(NGLY1):c.200C>T (p.Pro67Leu)

Gene: NGLY1 (N-glycanase 1; minus strand). Cytogenetic location: 3p24.2.
Variant type: single nucleotide variant.
Coding change: c.200C>T on transcript NM_018297.4 (MANE Select); coding-DNA position 200, C replaced by T.
Protein change: p.Pro67Leu; replaces proline 67 with leucine.
Molecular consequence: missense variant.
Genome position (GRCh38, 1-based): chr3:25,778,620, G>A on the plus strand (C>T on the coding strand, the complement: NGLY1 is on the minus strand). VCF-style: chr3-25778620-G-A. GRCh37 (hg19) VCF-style: chr3-25820111-G-A.
Other names: c.200C>T, p.Pro67Leu (NM_001145293.2, NM_001145295.2); c.74C>T, p.Pro25Leu (NM_001145294.2); short protein forms P25L, P67L.
Identifiers: ClinVar variation 948228 (VCV000948228.4), dbSNP rs145752045, ClinGen allele CA2289549.

ClinVar aggregate classification (germline): Uncertain significance (1 of 4 stars; one submission).

Conditions:
Congenital disorder of deglycosylation (CDDG). Identifiers: MedGen C3808991, MONDO:0031376.

Allele frequency attached by ClinVar (database versions not stated): gnomAD 0.00001; gnomAD exomes 0.00001 and 0.00002; ExAC 0.00002; TOPMed 0.00003; ESP Exome Variant Server 0.00008.
gnomAD v4.1: 23 of 1,612,036 alleles (0.0014%); highest among the groups gnomAD compares: Non-Finnish European, 0.0019%; no homozygotes.

Submission:

Labcorp Genetics (formerly Invitae), Labcorp
Classification: Uncertain significance for Congenital disorder of deglycosylation. Last evaluated: 2022-07-12. Review status: criteria provided, single submitter. Criteria: Invitae Variant Classification Sherloc (09022015). Collection method: clinical testing. Allele origin: germline.
Comment: This sequence change replaces proline, which is neutral and non-polar, with leucine, which is neutral and non-polar, at codon 67 of the NGLY1 protein (p.Pro67Leu). This variant is present in population databases (rs145752045, gnomAD 0.003%). This variant has not been reported in the literature in individuals affected with NGLY1-related conditions. ClinVar contains an entry for this variant (Variation ID: 948228). Algorithms developed to predict the effect of missense changes on protein structure and function are either unavailable or do not agree on the potential impact of this missense change (SIFT: "Deleterious"; PolyPhen-2: "Probably Damaging"; Align-GVGD: "Class C0"). In summary, the available evidence is currently insufficient to determine the role of this variant in disease. Therefore, it has been classified as a Variant of Uncertain Significance.